The following is an entry in ClinVar:

NM_145239.3(PRRT2):c.1014G>A (p.Val338=)

Genes: MVP-DT (MVP divergent transcript; minus strand), PRRT2 (proline rich transmembrane protein 2; plus strand). Cytogenetic location: 16p11.2.
Variant type: single nucleotide variant.
Coding change: c.1014G>A on transcript NM_145239.3 (MANE Select); coding-DNA position 1014, G replaced by A.
Protein change: p.Val338=; no amino-acid change (valine 338 retained).
Molecular consequence: synonymous variant. On other transcripts: 3 prime UTR variant (1).
Genome position (GRCh38, 1-based): chr16:29,814,629, G>A. VCF-style: chr16-29814629-G-A. GRCh37 (hg19) VCF-style: chr16-29825950-G-A.
Other names: c.1176G>A, p.Val392= (NM_001256442.2); c.*675G>A (NM_001256443.2).
Identifiers: ClinVar variation 2080719 (VCV002080719.5), dbSNP rs2543340475, ClinGen allele CA494583608.

ClinVar aggregate classification (germline): Likely benign. Review status: criteria provided, multiple submitters, no conflicts (2 of 4 stars). 2 submissions from 2 submitters: Likely benign (2). Last evaluated 2026-09-01.

Conditions:
Episodic kinesigenic dyskinesia (EKD). Also called: Paroxysmal kinesigenic dyskinesia. Identifiers: Orphanet 98809, MedGen C1868682, MONDO:0044202.

Allele frequency attached by ClinVar (database versions not stated): gnomAD exomes below 0.00001.
gnomAD v4.1: 3 of 1,611,926 alleles (0.00019%); highest among the groups gnomAD compares: Non-Finnish European, 0.00017%; no homozygotes.

Submissions (2):

CeGaT Center for Human Genetics Tuebingen
Classification: Likely benign. Last evaluated: 2026-09-01. Review status: criteria provided, single submitter. Criteria: CeGaT Center For Human Genetics Tuebingen Variant Classification Criteria Version 2. Collection method: clinical testing. Allele origin: germline. Affected: yes. Observed: 1 variant allele.
Comment: PRRT2: BP4, BP7

Labcorp Genetics (formerly Invitae), Labcorp
Classification: Likely benign for Episodic kinesigenic dyskinesia. Last evaluated: 2022-02-19. Review status: criteria provided, single submitter. Criteria: Invitae Variant Classification Sherloc (09022015). Collection method: clinical testing. Allele origin: germline.